The following is an entry in ClinVar:

NM_020458.4(TTC7A):c.437G>T (p.Arg146Leu)

Gene: TTC7A (tetratricopeptide repeat domain 7A; plus strand). Cytogenetic location: 2p21.
Variant type: single nucleotide variant.
Coding change: c.437G>T on transcript NM_020458.4 (MANE Select); coding-DNA position 437, G replaced by T.
Protein change: p.Arg146Leu; replaces arginine 146 with leucine.
Molecular consequence: missense variant. On other transcripts: 5 prime UTR variant (1).
Genome position (GRCh38, 1-based): chr2:46,956,927, G>T. VCF-style: chr2-46956927-G-T. GRCh37 (hg19) VCF-style: chr2-47184066-G-T.
Other names: c.437G>T (NM_020458.2); c.437G>T, p.Arg146Leu (LRG_1323t1, NM_001288951.2); c.335G>T, p.Arg112Leu (NM_001288953.2); c.-468G>T (NM_001288955.2); short protein forms R112L, R146L.
Identifiers: ClinVar variation 458800 (VCV000458800.52), dbSNP rs61746139, ClinGen allele CA1647159.

ClinVar aggregate classification (germline): Conflicting classifications of pathogenicity. Review status: criteria provided, conflicting classifications (1 of 4 stars). 6 submissions from 6 submitters: Uncertain significance (3); Benign (1); Likely benign (2). Last evaluated 2026-04-01.

Conditions:
Inborn genetic diseases. Identifiers: MedGen C0950123, MeSH D030342.
Gastrointestinal defects and immunodeficiency syndrome 1 (GIDID1). Also called: Combined immunodeficiency-enteropathy spectrum. Identifiers: Orphanet 436252, MedGen C5968858, MONDO:0800030, OMIM 243150.
Multiple gastrointestinal atresias. Also called: FAMILIAL INTESTINAL POLYATRESIA SYNDROME; Multiple intestinal atresia. Identifiers: Orphanet 2300, MedGen C0220744, MONDO:0009465.

Allele frequency attached by ClinVar (database versions not stated): 1000 Genomes Project 0.00140; 1000 Genomes Project 30x 0.00141; TOPMed 0.00466; ESP Exome Variant Server 0.00515.
gnomAD v4.1: 10,263 of 1,614,206 alleles (0.64%); highest among the groups gnomAD compares: Non-Finnish European, 0.79%; 58 homozygotes.

Submissions (6):

CeGaT Center for Human Genetics Tuebingen
Classification: Likely benign. Last evaluated: 2026-04-01. Review status: criteria provided, single submitter. Criteria: CeGaT Center For Human Genetics Tuebingen Variant Classification Criteria Version 2. Collection method: clinical testing. Allele origin: germline. Affected: yes. Observed: 20 variant alleles.
Comment: TTC7A: BS2

Labcorp Genetics (formerly Invitae), Labcorp
Classification: Benign for Multiple gastrointestinal atresias. Last evaluated: 2026-02-04. Review status: criteria provided, single submitter. Criteria: Invitae Variant Classification Sherloc (09022015). Collection method: clinical testing. Allele origin: germline.

Blueprint Genetics
Classification: Likely benign. Last evaluated: 2024-11-26. Review status: criteria provided, single submitter. Criteria: ACMG Guidelines, 2015. Collection method: clinical testing. Allele origin: germline.

Ambry Genetics
Classification: Uncertain significance for Inborn genetic diseases. Last evaluated: 2021-09-01. Review status: criteria provided, single submitter. Criteria: Ambry Variant Classification Scheme 2023. Collection method: clinical testing. Allele origin: germline.

Center for Genomics, Ann and Robert H. Lurie Children's Hospital of Chicago
Classification: Uncertain significance for Gastrointestinal defects and immunodeficiency syndrome 1. Last evaluated: 2021-06-14. Review status: criteria provided, single submitter. Criteria: ACMG Guidelines, 2015. Collection method: clinical testing. Allele origin: germline.
Comment: TTC7A NM_020458.2 exon 3 p.Arg146Leu (c.437G>T): This variant has not been reported in the literature but is present in 0.6% (476/68038) of European alleles including 4 homozygotes in the Genome Aggregation Database. This variant is present in ClinVar (Variation ID:458800). Evolutionary conservation and computational predictive tools for this variant are unclear. In summary, data on this variant is insufficient for disease classification. Therefore, the clinical significance of this variant is uncertain.

Mayo Clinic Laboratories, Mayo Clinic
Classification: Uncertain significance for Gastrointestinal defects and immunodeficiency syndrome 1. Last evaluated: 2016-08-21. Review status: criteria provided, single submitter. Criteria: ACMG Guidelines, 2015. Collection method: clinical testing. Allele origin: maternal.